The following is an entry in ClinVar:

ClinVar aggregate classification (germline): Uncertain significance (1 of 4 stars; one submission).

gnomAD v4.1: 1 of 1,614,058 alleles (0.000062%); highest among the groups gnomAD compares: African/African-American, 0.0013%; no homozygotes.

Submission:

Ambry Genetics
Classification: Uncertain significance. Last evaluated: 2025-03-07. Review status: criteria provided, single submitter. Criteria: Ambry Variant Classification Scheme 2023. Collection method: clinical testing. Allele origin: germline.
Comment: The p.Y141C variant (also known as c.422A>G), located in coding exon 3 of the GEN1 gene, results from an A to G substitution at nucleotide position 422. The tyrosine at codon 141 is replaced by cysteine, an amino acid with highly dissimilar properties. This amino acid position is conserved. In addition, the in silico prediction for this alteration is inconclusive. Based on the available evidence, the clinical significance of this variant remains unclear.

NM_001130009.3(GEN1):c.422A>G (p.Tyr141Cys)

Gene: GEN1 (GEN1 Holliday junction 5' flap endonuclease; plus strand). Cytogenetic location: 2p24.2.
Variant type: single nucleotide variant.
Coding change: c.422A>G on transcript NM_001130009.3 (MANE Select); coding-DNA position 422, A replaced by G.
Protein change: p.Tyr141Cys; replaces tyrosine 141 with cysteine.
Molecular consequence: missense variant.
Genome position (GRCh38, 1-based): chr2:17,764,970, A>G. VCF-style: chr2-17764970-A-G. GRCh37 (hg19) VCF-style: chr2-17946237-A-G.
Other names: c.422A>G, p.Tyr141Cys (NM_182625.5); short protein forms Y141C.
Identifiers: ClinVar variation 3853619 (VCV003853619.1).